The following is an entry in ClinVar:

ClinVar aggregate classification (germline): Pathogenic. Review status: criteria provided, multiple submitters, no conflicts (2 of 4 stars). 5 submissions from 5 submitters: Pathogenic (5). Last evaluated 2025-09-01.

Conditions:
COL6A1-related disorder. Also called: COL6A1-related condition.
Bethlem myopathy 1A. Also called: Bethlem myopathy 1; MYOPATHY, BENIGN CONGENITAL, WITH CONTRACTURES; Bethlem Muscular Dystrophy. Identifiers: Orphanet 610, MedGen CN029274, MONDO:0024530, OMIM 158810.

Submissions (5):

CeGaT Center for Human Genetics Tuebingen
Classification: Pathogenic. Last evaluated: 2025-09-01. Review status: criteria provided, single submitter. Criteria: CeGaT Center For Human Genetics Tuebingen Variant Classification Criteria Version 2. Collection method: clinical testing. Allele origin: germline. Affected: yes. Observed: 1 variant allele.
Comment: COL6A1: PM1:Strong, PS4, PM2, PM5, PM6

Labcorp Genetics (formerly Invitae), Labcorp
Classification: Pathogenic for Bethlem myopathy 1A. Last evaluated: 2025-07-29. Review status: criteria provided, single submitter. Criteria: Invitae Variant Classification Sherloc (09022015). Collection method: clinical testing. Allele origin: germline.
Comment: This sequence change replaces glycine, which is neutral and non-polar, with valine, which is neutral and non-polar, at codon 341 of the COL6A1 protein (p.Gly341Val). This variant is not present in population databases (gnomAD no frequency). This missense change has been observed in individual(s) with autosomal dominant COL6A1-related conditions (PMID: 15689448, 15955946, 20576434, 22075033, 25535305, 26436962). In at least one individual the variant was observed to be de novo. It has also been observed to segregate with disease in related individuals. ClinVar contains an entry for this variant (Variation ID: 282533). Invitae Evidence Modeling of protein sequence and biophysical properties (such as structural, functional, and spatial information, amino acid conservation, physicochemical variation, residue mobility, and thermodynamic stability) indicates that this missense variant is expected to disrupt COL6A1 protein function with a positive predictive value of 95%. This variant disrupts the triple helix domain of COL6A1. Glycine residues within the Gly-Xaa-Yaa repeats of the triple helix domain are required for the structure and stability of fibrillar collagens (PMID: 7695699, 8218237, 19344236). In COL6A1, variants at these glycine residues are significantly enriched in individuals with autosomal dominant disease (PMID: 15689448, 24038877) compared to the general population (ExAC). This variant disrupts the p.Gly341 amino acid residue in COL6A1. Other variant(s) that disrupt this residue have been determined to be pathogenic (PMID: 11865138, 24038877). This suggests that this residue is clinically significant, and that variants that disrupt this residue are likely to be disease-causing. For these reasons, this variant has been classified as Pathogenic.

PreventionGenetics, part of Exact Sciences
Classification: Pathogenic for COL6A1-related condition. Last evaluated: 2023-04-25. Review status: criteria provided, single submitter. Criteria: ACMG Guidelines, 2015. Collection method: clinical testing. Allele origin: germline.
Comment: The COL6A1 c.1022G>T variant is predicted to result in the amino acid substitution p.Gly341Val. This variant was reported in the heterozygous state in an an individual with Bethlem myopathy and found to segregate in two other affected family members, indicating autosomal dominant inheritance (Lucioli et al 2005. PubMed ID: 15955946). This variant has also been reported to occur de novo in a patient with limb girdle muscular dystrophy and in other patients with features of COL6A1-related disorders (See Table 3 Ghaoui R et al 2015. PubMed ID: 26436962; Deconinck N et al 2010. PubMed ID: 20576434; Table 1 Kim J et al 2011. PubMed ID: 22075033; Deconinck N et al 2014. PubMed ID: 25535305). A different substitution at this position (p.Gly341Asp) has also been reported in a family with autosomal dominant Bethlem myopathy (Scacheri PC et al 2002. PubMed ID: 11865138). This variant disrupts the triple helix domain of COL6A1 and glycine residues within the Gly-Xaa-Yaa repeats of the triple helix domain are required for the structure and stability of fibrillar collagens (Long et al. 1993. PubMed ID: 8218237; Bella et al. 1994. PubMed ID: 7695699; Shoulders et al. 2009. PubMed ID: 19344236). This variant has not been reported in a large population database, indicating this variant is rare. This variant is interpreted as pathogenic for autosomal dominant COL6A1-related disorders.

GeneDx
Classification: Pathogenic. Last evaluated: 2018-08-06. Review status: criteria provided, single submitter. Criteria: GeneDx Variant Classification (06012015). Collection method: clinical testing. Allele origin: germline. Affected: yes.
Comment: The G341V pathogenic variant in the COL6A1 gene has been previously reported in multiple unrelated individuals with Bethlem myopathy (Lampe et al., 2005; Lucioli et al., 2005; Deconinck et al., 2014; Ghaoui et al., 2015). Reported individuals did not have a second identifiable COL6A1 pathogenic variant, and G341V was found to be de novo in two cases (Deconinck et al., 2014; Ghaoui et al., 2015). The G341V variant is not observed in large population cohorts (Lek et al., 2016; 1000 Genomes Consortium et al., 2015; Exome Variant Server). This variant is a conservative amino acid substitution, which is not likely to impact secondary protein structure as these residues share similar properties. However, this substitution occurs within the Gly-X-Y motif in the triple helical (TH) domain of collagen VI, a region that is well-conserved across species. Additionally, a different missense variant at the same position (G341D) has been previously reported in a family with autosomal dominant Bethlem myopathy (Scacheri et al., 2002). Furthermore, in silico analysis predicts this variant is probably damaging to the protein structure/function.

Eurofins Ntd Llc (ga)
Classification: Pathogenic. Last evaluated: 2017-11-14. Review status: criteria provided, single submitter. Criteria: EGL Classification Definitions 2015. Collection method: clinical testing. Allele origin: germline. Observed: 7 variant alleles, 7 heterozygotes.

Literature cited by the submitters: PubMed 15689448 (cited by Labcorp Genetics (formerly Invitae), Labcorp); PubMed 15955946 (cited by Labcorp Genetics (formerly Invitae), Labcorp and Eurofins Ntd Llc (ga)); PubMed 20576434 (cited by Labcorp Genetics (formerly Invitae), Labcorp); PubMed 22075033 (cited by Labcorp Genetics (formerly Invitae), Labcorp); PubMed 25535305 (cited by Labcorp Genetics (formerly Invitae), Labcorp); PubMed 26436962 (cited by Labcorp Genetics (formerly Invitae), Labcorp and Eurofins Ntd Llc (ga)); PubMed 7695699 (cited by Labcorp Genetics (formerly Invitae), Labcorp); PubMed 8218237 (cited by Labcorp Genetics (formerly Invitae), Labcorp); PubMed 19344236 (cited by Labcorp Genetics (formerly Invitae), Labcorp); PubMed 24038877 (cited by Labcorp Genetics (formerly Invitae), Labcorp and Eurofins Ntd Llc (ga)); PubMed 11865138 (cited by Labcorp Genetics (formerly Invitae), Labcorp).

NM_001848.3(COL6A1):c.1022G>T (p.Gly341Val)

Gene: COL6A1 (collagen type VI alpha 1 chain; plus strand). Cytogenetic location: 21q22.3.
Variant type: single nucleotide variant.
Coding change: c.1022G>T on transcript NM_001848.3 (MANE Select); coding-DNA position 1022, G replaced by T.
Protein change: p.Gly341Val; replaces glycine 341 with valine.
Molecular consequence: missense variant.
Genome position (GRCh38, 1-based): chr21:45,990,792, G>T. VCF-style: chr21-45990792-G-T. GRCh37 (hg19) VCF-style: chr21-47410706-G-T.
Other names: short protein forms G341V.
Identifiers: ClinVar variation 282533 (VCV000282533.23), dbSNP rs121912935, ClinGen allele CA10604208.